The following is an entry in ClinVar:

NM_152564.5(VPS13B):c.4671G>A (p.Lys1557=)

Gene: VPS13B (vacuolar protein sorting 13 homolog B; plus strand). Cytogenetic location: 8q22.2.
Variant type: single nucleotide variant.
Coding change: c.4671G>A on transcript NM_152564.5 (MANE Select); coding-DNA position 4671, G replaced by A.
Protein change: p.Lys1557=; no amino-acid change (lysine 1557 retained).
Molecular consequence: synonymous variant.
Genome position (GRCh38, 1-based): chr8:99,520,936, G>A. VCF-style: chr8-99520936-G-A. GRCh37 (hg19) VCF-style: chr8-100533164-G-A.
Other names: c.4746G>A, p.Lys1582= (NM_017890.5).
Identifiers: ClinVar variation 2872541 (VCV002872541.4), dbSNP rs2490585572, ClinGen allele CA462440063.

ClinVar aggregate classification (germline): Likely benign. Review status: criteria provided, single submitter (1 of 4 stars). 2 submissions from 2 submitters: Likely benign (1). 1 of the submissions does not count toward it. Last evaluated 2023-06-29.

Conditions:
Cohen syndrome (COH1). Also called: PEPPER SYNDROME; Cutis verticis gyrata, retinitis pigmentosa, and sensorineural deafness. Identifiers: Orphanet 193, MedGen C0265223, MONDO:0008999, OMIM 216550.
VPS13B-related disorder. Also called: VPS13B-related condition.

Submissions (2):

Labcorp Genetics (formerly Invitae), Labcorp
Classification: Likely benign for Cohen syndrome. Last evaluated: 2023-06-29. Review status: criteria provided, single submitter. Criteria: Invitae Variant Classification Sherloc (09022015). Collection method: clinical testing. Allele origin: germline.

PreventionGenetics, part of Exact Sciences
Classification: Likely benign for VPS13B-related condition. Last evaluated: 2024-03-23. Review status: no assertion criteria provided. Collection method: clinical testing. Allele origin: germline. Not counted in ClinVar's aggregate classification.
Comment: This variant is classified as likely benign based on ACMG/AMP sequence variant interpretation guidelines (Richards et al. 2015 PMID: 25741868, with internal and published modifications).